The following is an entry in ClinVar:

ClinVar aggregate classification (germline): Uncertain significance. Review status: criteria provided, multiple submitters, no conflicts (2 of 4 stars). 2 submissions from 2 submitters: Uncertain significance (2). Last evaluated 2026-05-28.

Conditions:
Hereditary cancer-predisposing syndrome. Also called: Neoplastic Syndromes, Hereditary; Tumor predisposition; Hereditary Cancer Syndrome; Hereditary neoplastic syndrome. Identifiers: Orphanet 140162, MedGen C0027672, MeSH D009386, MONDO:0015356.
Pheochromocytoma. Also called: MAX-Related Hereditary Paraganglioma-Pheochromocytoma Syndrome. Identifiers: Orphanet 29072, MedGen C0031511, MONDO:0008233, OMIM 171300, HP:0002666.
Pheochromocytoma/paraganglioma syndrome 4. Also called: CAROTID BODY TUMORS AND MULTIPLE EXTRAADRENAL PHEOCHROMOCYTOMAS; PARAGANGLIOMA, FAMILIAL MALIGNANT; PARAGANGLIOMAS, HEREDITARY EXTRAADRENAL; PHEOCHROMOCYTOMA, FAMILIAL EXTRAADRENAL; Paragangliomas 4; SDHB-Related Hereditary Paraganglioma-Pheochromocytoma Syndrome (Paragangliomas 4). Identifiers: Orphanet 29072, MedGen C1861848, MONDO:0007273, OMIM 115310.
Gastrointestinal stromal tumor. Also called: Gastrointestinal stromal tumor, somatic; Gastrointestinal stroma tumor. Identifiers: Orphanet 44890, MedGen C0238198, MeSH D046152, MONDO:0011719, OMIM 606764, HP:0100723.

Submissions (2):

Ambry Genetics
Classification: Uncertain significance for Hereditary cancer-predisposing syndrome. Last evaluated: 2026-05-28. Review status: criteria provided, single submitter. Criteria: Ambry Variant Classification Scheme 2023. Collection method: clinical testing. Allele origin: germline.
Comment: The p.N202D variant (also known as c.604A>G), located in coding exon 6 of the SDHB gene, results from an A to G substitution at nucleotide position 604. The asparagine at codon 202 is replaced by aspartic acid, an amino acid with highly similar properties. This amino acid position is conserved. In addition, this alteration is predicted to be deleterious by in silico analysis. Based on the available evidence, the clinical significance of this variant remains unclear.

Labcorp Genetics (formerly Invitae), Labcorp
Classification: Uncertain significance for Gastrointestinal stromal tumor; Pheochromocytoma/paraganglioma syndrome 4; Pheochromocytoma. Last evaluated: 2024-11-24. Review status: criteria provided, single submitter. Criteria: Invitae Variant Classification Sherloc (09022015). Collection method: clinical testing. Allele origin: germline.
Comment: This sequence change replaces asparagine, which is neutral and polar, with aspartic acid, which is acidic and polar, at codon 202 of the SDHB protein (p.Asn202Asp). This variant is not present in population databases (gnomAD no frequency). This variant has not been reported in the literature in individuals affected with SDHB-related conditions. Invitae Evidence Modeling of protein sequence and biophysical properties (such as structural, functional, and spatial information, amino acid conservation, physicochemical variation, residue mobility, and thermodynamic stability) indicates that this missense variant is not expected to disrupt SDHB protein function with a negative predictive value of 80%. In summary, the available evidence is currently insufficient to determine the role of this variant in disease. Therefore, it has been classified as a Variant of Uncertain Significance.

NM_003000.3(SDHB):c.604A>G (p.Asn202Asp)

Gene: SDHB (succinate dehydrogenase complex iron sulfur subunit B; minus strand). Cytogenetic location: 1p36.13.
Variant type: single nucleotide variant.
Coding change: c.604A>G on transcript NM_003000.3 (MANE Select); coding-DNA position 604, A replaced by G.
Protein change: p.Asn202Asp; replaces asparagine 202 with aspartic acid.
Molecular consequence: missense variant.
Genome position (GRCh38, 1-based): chr1:17,024,011, T>C on the plus strand (A>G on the coding strand, the complement: SDHB is on the minus strand). VCF-style: chr1-17024011-T-C. GRCh37 (hg19) VCF-style: chr1-17350506-T-C.
Other names: c.550A>G, p.Asn184Asp (NM_001407361.1); short protein forms N184D, N202D.
Identifiers: ClinVar variation 3758535 (VCV003758535.3).